The following is an entry in ClinVar:

NM_000169.3(GLA):c.728_744del (p.Ile242_Leu243insTer)

Genes: GLA (galactosidase alpha; minus strand), RPL36A-HNRNPH2 (RPL36A-HNRNPH2 readthrough; plus strand). Cytogenetic location: Xq22.1.
Variant type: Deletion.
Coding change: c.728_744del on transcript NM_000169.3 (MANE Select); coding-DNA positions 728 to 744, 17 bases deleted (TGGACTGGACATCTTTT).
Protein change: p.Ile242_Leu243insTer.
Molecular consequence: nonsense. On other transcripts: non-coding transcript variant (3), intron variant (2).
Genome position (GRCh38, 1-based): chrX:101,398,842-101,398,858, AAAAGATGTCCAGTCCA deleted on the plus strand (TGGACTGGACATCTTTT on the coding strand, the reverse complement: GLA is on the minus strand); deleting any 17 consecutive bases within chrX:101,398,842-101,398,859 gives the same sequence; the c. name uses the placement nearest the transcript's 3' end. VCF-style (leftmost placement, unchanged base first): chrX-101398841-TAAAAGATGTCCAGTCCA-T. GRCh37 (hg19) VCF-style: chrX-100653829-TAAAAGATGTCCAGTCCA-T.
Other names: c.851_867del, p.Ile283_Leu284insTer (NM_001406747.1); c.728_744del, p.Ile242_Leu243insTer (NM_001406748.1); c.300+3386_300+3402del (NM_001199973.2); c.177+7021_177+7037del (NM_001199974.2).
Identifiers: ClinVar variation 4974918 (VCV004974918.1).
Genomic context (GRCh38, chrX:101,398,841, plus strand): 5'-TTACCATATCTGGGTCATTCCAACCCCCTGGTCCAGCAACATCAACAATTCTCTCCTGGT[TAAAAGATGTCCAGTCCA>T]AGATACTCTTTATACTTTTCCAGGAATCATCAATGTCAGCAAAATTTCGCCAGTGATTGC-3'

ClinVar aggregate classification (germline): Pathogenic (1 of 4 stars; one submission).

Conditions:
Fabry disease. Also called: Fabry's disease; ALPHA-GALACTOSIDASE A DEFICIENCY; ANDERSON-FABRY DISEASE; CERAMIDE TRIHEXOSIDASE DEFICIENCY; GLA DEFICIENCY; HEREDITARY DYSTOPIC LIPIDOSIS. Identifiers: Orphanet 324, MedGen C0002986, MONDO:0010526, OMIM 301500, HP:0001071. Disease mechanism: Fabry disease is due to inactivating mutations in the X-linked GLA gene resulting in deficiency of the enzyme Alpha Galactosidase-A., loss of function.

Submission:

Genomenon, Inc
Classification: Pathogenic for Fabry disease. Last evaluated: 2026-09-08. Review status: criteria provided, single submitter. Criteria: Genomenon Sequence Variant Interpretation Standards - Updated. Collection method: curation. Allele origin: germline. Affected: yes.
Comment: GLA p.Leu243Ter (c.728_744del) is a nonsense variant that introduces a premature stop codon at amino acid position 243 and is predicted to result in a truncated or absent protein product. This variant has been observed in at least one proband with clinical features consistent with Fabry disease (PMID:37940383;23566439). The variant was found to segregate with disease in at least one affected family (PMID:23566439). It is absent or not present at a significant frequency in gnomAD. In conclusion, we classify GLA p.Leu243Ter (c.728_744del) as a pathogenic variant.

Literature cited by the submitters: PubMed 37940383; PubMed 23566439.